The following is an entry in ClinVar:

ClinVar aggregate classification (germline): Uncertain significance. Review status: criteria provided, multiple submitters, no conflicts (2 of 4 stars). 2 submissions from 2 submitters: Uncertain significance (2). Last evaluated 2025-07-21.

Conditions:
Diamond-Blackfan anemia 10 (DBA10). Also called: RPS26-Related Diamond-Blackfan Anemia. Identifiers: Orphanet 124, MedGen C2750080, MONDO:0013217, OMIM 613309.

Allele frequency attached by ClinVar (database versions not stated): gnomAD exomes 0.00001; TOPMed 0.00001; ExAC 0.00002.

Submissions (2):

Labcorp Genetics (formerly Invitae), Labcorp
Classification: Uncertain significance for Diamond-Blackfan anemia 10. Last evaluated: 2025-07-21. Review status: criteria provided, single submitter. Criteria: Invitae Variant Classification Sherloc (09022015). Collection method: clinical testing. Allele origin: germline.
Comment: This sequence change replaces proline, which is neutral and non-polar, with leucine, which is neutral and non-polar, at codon 111 of the RPS26 protein (p.Pro111Leu). This variant is present in population databases (rs777591468, gnomAD 0.006%). This variant has not been reported in the literature in individuals affected with RPS26-related conditions. ClinVar contains an entry for this variant (Variation ID: 2165444). Experimental studies and prediction algorithms are not available or were not evaluated, and the functional significance of this variant is currently unknown. In summary, the available evidence is currently insufficient to determine the role of this variant in disease. Therefore, it has been classified as a Variant of Uncertain Significance.

GeneDx
Classification: Uncertain significance. Last evaluated: 2023-01-03. Review status: criteria provided, single submitter. Criteria: GeneDx Variant Classification Process June 2021. Collection method: clinical testing. Allele origin: germline. Affected: yes.
Comment: In silico analysis supports that this missense variant has a deleterious effect on protein structure/function; Has not been previously published as pathogenic or benign to our knowledge

NM_001029.5(RPS26):c.332C>T (p.Pro111Leu)

Gene: RPS26 (ribosomal protein S26; plus strand). Cytogenetic location: 12q13.2.
Variant type: single nucleotide variant.
Coding change: c.332C>T on transcript NM_001029.5 (MANE Select); coding-DNA position 332, C replaced by T.
Protein change: p.Pro111Leu; replaces proline 111 with leucine.
Molecular consequence: missense variant.
Genome position (GRCh38, 1-based): chr12:56,044,138, C>T. VCF-style: chr12-56044138-C-T. GRCh37 (hg19) VCF-style: chr12-56437922-C-T.
Other names: c.332C>T (NM_001029.3); short protein forms P111L.
Identifiers: ClinVar variation 2165444 (VCV002165444.5), dbSNP rs777591468, ClinGen allele CA6621778.
Genomic context (GRCh38, chr12:56,044,138, plus strand): 5'-CCATGGGTTTTAATTTACTCTTTTGTTTCTTTGTCTTTCAGGGTGCTGCCCCACGTCCCC[C>T]ACCAAAGCCCATGTAAGGAGCTGAGTTCTTAAAGACTGAAGACAGGCTATTCTCTGGAGA-3'
Protein context (NP_001020.2, residues 101-115): FRPAGAAPRP[Pro111Leu]PKPM